The following is an entry in ClinVar:

NM_000405.5(GM2A):c.*938G>A

Gene: GM2A (ganglioside GM2 activator; plus strand). Cytogenetic location: 5q33.1.
Variant type: single nucleotide variant.
Coding change: c.*938G>A on transcript NM_000405.5 (MANE Select); 938 bases downstream of the stop codon, G replaced by A.
Molecular consequence: 3 prime UTR variant.
Genome position (GRCh38, 1-based): chr5:151,268,389, G>A. VCF-style: chr5-151268389-G-A. GRCh37 (hg19) VCF-style: chr5-150647950-G-A.
Other names: c.*749G>A (NM_001167607.3).
Identifiers: ClinVar variation 352276 (VCV000352276.5), dbSNP rs1130163, ClinGen allele CA10619751.

ClinVar aggregate classification (germline): Benign (1 of 4 stars; one submission).

Conditions:
Tay-Sachs disease, variant AB. Also called: GM2 Activator Deficiency; Gm2-gangliosidosis, ab variant. Identifiers: Orphanet 309246, MedGen C0268275, MONDO:0010099, OMIM 272750.

Allele frequency attached by ClinVar (database versions not stated): gnomAD exomes 0.03463; gnomAD 0.09731; TOPMed 0.10201; 1000 Genomes Project 0.15136; 1000 Genomes Project 30x 0.15412.
gnomAD v4.1: 36,940 of 782,208 alleles (4.7%); highest among the groups gnomAD compares: East Asian, 26%; 2,085 homozygotes.

Submission:

Illumina Laboratory Services, Illumina
Classification: Benign for Tay-Sachs disease, variant AB. Last evaluated: 2018-01-12. Review status: criteria provided, single submitter. Criteria: ICSL Variant Classification Criteria 13 December 2019. Collection method: clinical testing. Allele origin: germline.
Comment: This variant was observed in the ICSL laboratory as part of a predisposition screen in an ostensibly healthy population. It had not been previously curated by ICSL or reported in the Human Gene Mutation Database (HGMD: prior to June 1st, 2018), and was therefore a candidate for classification through an automated scoring system. Utilizing variant allele frequency, disease prevalence and penetrance estimates, and inheritance mode, an automated score was calculated to assess if this variant is too frequent to cause the disease. Based on the score and internal cut-off values, a variant classified as benign is not then subjected to further curation. The score for this variant resulted in a classification of benign for this disease.